The following is an entry in ClinVar:

NM_018127.7(ELAC2):c.1944G>C (p.Ala648=)

Gene: ELAC2 (elaC ribonuclease Z 2; minus strand). Cytogenetic location: 17p12.
Variant type: single nucleotide variant.
Coding change: c.1944G>C on transcript NM_018127.7 (MANE Select); coding-DNA position 1944, G replaced by C.
Protein change: p.Ala648=; no amino-acid change (alanine 648 retained).
Molecular consequence: synonymous variant.
Genome position (GRCh38, 1-based): chr17:12,994,849, C>G on the plus strand (G>C on the coding strand, the complement: ELAC2 is on the minus strand). VCF-style: chr17-12994849-C-G. GRCh37 (hg19) VCF-style: chr17-12898166-C-G.
Other names: p.Ala648=; c.1824G>C, p.Ala608= (NM_001165962.2); c.1941G>C, p.Ala647= (NM_173717.2).
Identifiers: ClinVar variation 4684190 (VCV004684190.2).

ClinVar aggregate classification (germline): Likely benign. Review status: criteria provided, multiple submitters, no conflicts (2 of 4 stars). 2 submissions from 2 submitters: Likely benign (2). Last evaluated 2025-11-01.

Conditions:
Combined oxidative phosphorylation defect type 17. Also called: Combined oxidative phosphorylation deficiency 17. Identifiers: Orphanet 369913, MedGen C3809526, MONDO:0014190, OMIM 615440.

gnomAD v4.1: 3 of 1,614,082 alleles (0.00019%); highest among the groups gnomAD compares: Non-Finnish European, 0.00025%; no homozygotes.

Submissions (2):

Labcorp Genetics (formerly Invitae), Labcorp
Classification: Likely benign for Combined oxidative phosphorylation defect type 17. Last evaluated: 2025-11-01. Review status: criteria provided, single submitter. Criteria: Invitae Variant Classification Sherloc (09022015). Collection method: clinical testing. Allele origin: germline.

Mayo Clinic Laboratories, Mayo Clinic
Classification: Likely benign. Last evaluated: 2024-10-30. Review status: criteria provided, single submitter. Criteria: ACMG Guidelines, 2015. Collection method: clinical testing. Allele origin: germline. Observed: 1 variant allele.
Comment: BP4, BP7